The following is an entry in ClinVar:

ClinVar aggregate classification (germline): Uncertain significance (1 of 4 stars; one submission).

Submission:

GeneDx
Classification: Uncertain significance. Last evaluated: 2025-03-31. Review status: criteria provided, single submitter. Criteria: GeneDx Variant Classification Process June 2021. Collection method: clinical testing. Allele origin: germline. Affected: yes.
Comment: Not observed at significant frequency in large population cohorts (gnomAD); In silico analysis supports that this missense variant has a deleterious effect on protein structure/function; Has not been previously published as pathogenic or benign to our knowledge; This variant is associated with the following publications: (PMID: 18466115)

NM_000368.5(TSC1):c.2165A>T (p.Lys722Met)

Gene: TSC1 (TSC complex subunit 1; minus strand). Cytogenetic location: 9q34.13.
Variant type: single nucleotide variant.
Coding change: c.2165A>T on transcript NM_000368.5 (MANE Select); coding-DNA position 2165, A replaced by T.
Protein change: p.Lys722Met; replaces lysine 722 with methionine.
Molecular consequence: missense variant. On other transcripts: non-coding transcript variant (4).
Genome position (GRCh38, 1-based): chr9:132,903,694, T>A on the plus strand (A>T on the coding strand, the complement: TSC1 is on the minus strand). VCF-style: chr9-132903694-T-A. GRCh37 (hg19) VCF-style: chr9-135779081-T-A.
Other names: c.2165A>T, p.Lys722Met (NM_001406595.1, NM_001406596.1, NM_001406605.1 and 5 more transcripts); c.2162A>T, p.Lys721Met (NM_001406597.1, NM_001406598.1, NM_001406599.1 and 4 more transcripts); c.2150A>T, p.Lys717Met (NM_001406601.1, NM_001406602.1); c.2147A>T, p.Lys716Met (NM_001406603.1, NM_001406604.1); c.1802A>T, p.Lys601Met (NM_001406614.1, NM_001406615.1, NM_001406616.1 and 5 more transcripts); c.1799A>T, p.Lys600Met (NM_001406620.1, NM_001406621.1, NM_001406622.1 and 2 more transcripts); c.1214A>T, p.Lys405Met (NM_001406626.1); c.1211A>T, p.Lys404Met (NM_001406627.1, NM_001406628.1); and 3 more; short protein forms K371M, K404M, K405M, K600M, K601M, K670M, K671M, K716M.
Identifiers: ClinVar variation 4278675 (VCV004278675.1).
Genomic context (GRCh38, chr9:132,903,694, plus strand): 5'-CCCTCCCCAGTCCTCACCATGGCAGCATTATGTTCCTCCAGAGCTGCTGCTTTGATCACC[T>A]TGCGGAGGAGCCGCCTGTTCCGGAGGGCATGCTGCTGCCTCTTAAAACGCTCATAGAGTA-3'
Protein context (NP_000359.1, residues 712-732): HALRNRRLLR[Lys722Met]VIKAAALEEH